The following is an entry in ClinVar:

NM_052845.4(MMAB):c.644+212C>T

Gene: MMAB (metabolism of cobalamin associated B; minus strand). Cytogenetic location: 12q24.11.
Variant type: single nucleotide variant.
Coding change: c.644+212C>T on transcript NM_052845.4 (MANE Select); 212 bases into the intron after coding-DNA position 644, C replaced by T.
Molecular consequence: intron variant.
Genome position (GRCh38, 1-based): chr12:109,558,884, G>A on the plus strand (C>T on the coding strand, the complement: MMAB is on the minus strand). VCF-style: chr12-109558884-G-A. GRCh37 (hg19) VCF-style: chr12-109996689-G-A.
Identifiers: ClinVar variation 680639 (VCV000680639.1), dbSNP rs35072126, ClinGen allele CA13729515.

ClinVar aggregate classification (germline): Benign (1 of 4 stars; one submission).

Allele frequency attached by ClinVar (database versions not stated): 1000 Genomes Project 0.15895; 1000 Genomes Project 30x 0.16552; gnomAD 0.16743 and 0.16920; TOPMed 0.17460.
gnomAD v4.1: 25,512 of 152,026 alleles (17%); highest among the groups gnomAD compares: African/African-American, 18%; 2,208 homozygotes.

Submission:

GeneDx
Classification: Benign. Last evaluated: 2018-06-19. Review status: criteria provided, single submitter. Criteria: GeneDx Variant Classification (06012015). Collection method: clinical testing. Allele origin: germline. Affected: yes.
Comment: This variant is considered likely benign or benign based on one or more of the following criteria: it is a conservative change, it occurs at a poorly conserved position in the protein, it is predicted to be benign by multiple in silico algorithms, and/or has population frequency not consistent with disease.